The following is an entry in ClinVar:

ClinVar aggregate classification (germline): Uncertain significance (1 of 4 stars; one submission).

Conditions:
Duane-radial ray syndrome (DRRS). Also called: ACRORENOOCULAR SYNDROME; DR SYNDROME; DUANE ANOMALY WITH RADIAL RAY ABNORMALITIES AND DEAFNESS; Okihiro Syndrome; Duane-Radial Ray Syndrome/Okihiro Syndrome; Duane-Radial Ray Syndrome (DRRS) / Okihiro Syndrome. Identifiers: Orphanet 93293, Orphanet 959, MedGen C1623209, MONDO:0011812, OMIM 607323. Disease mechanism: gain of function.

Submission:

Labcorp Genetics (formerly Invitae), Labcorp
Classification: Uncertain significance for Duane-radial ray syndrome. Last evaluated: 2025-04-03. Review status: criteria provided, single submitter. Criteria: Invitae Variant Classification Sherloc (09022015). Collection method: clinical testing. Allele origin: germline.
Comment: This sequence change replaces valine, which is neutral and non-polar, with methionine, which is neutral and non-polar, at codon 205 of the SALL4 protein (p.Val205Met). This variant is present in population databases (rs754627980, gnomAD 0.03%). This variant has not been reported in the literature in individuals affected with SALL4-related conditions. An algorithm developed to predict the effect of missense changes on protein structure and function outputs the following: PolyPhen-2: "Benign". The methionine amino acid residue is found in multiple mammalian species, which suggests that this missense change does not adversely affect protein function. In summary, the available evidence is currently insufficient to determine the role of this variant in disease. Therefore, it has been classified as a Variant of Uncertain Significance.

NM_020436.5(SALL4):c.613G>A (p.Val205Met)

Gene: SALL4 (spalt like transcription factor 4; minus strand). Cytogenetic location: 20q13.2.
Variant type: single nucleotide variant.
Coding change: c.613G>A on transcript NM_020436.5 (MANE Select); coding-DNA position 613, G replaced by A.
Protein change: p.Val205Met; replaces valine 205 with methionine.
Molecular consequence: missense variant.
Genome position (GRCh38, 1-based): chr20:51,791,870, C>T on the plus strand (G>A on the coding strand, the complement: SALL4 is on the minus strand). VCF-style: chr20-51791870-C-T. GRCh37 (hg19) VCF-style: chr20-50408409-C-T.
Other names: c.613G>A, p.Val205Met (NM_001318031.2); short protein forms V205M.
Identifiers: ClinVar variation 4741238 (VCV004741238.1).